The following is an entry in ClinVar:

NM_153460.4(IL17RC):c.14G>C (p.Trp5Ser)

Gene: IL17RC (interleukin 17 receptor C; plus strand). Cytogenetic location: 3p25.3.
Variant type: single nucleotide variant.
Coding change: c.14G>C on transcript NM_153460.4 (MANE Select); coding-DNA position 14, G replaced by C.
Protein change: p.Trp5Ser; replaces tryptophan 5 with serine.
Molecular consequence: missense variant. On other transcripts: non-coding transcript variant (1).
Genome position (GRCh38, 1-based): chr3:9,917,329, G>C. VCF-style: chr3-9917329-G-C. GRCh37 (hg19) VCF-style: chr3-9959013-G-C.
Other names: c.14G>C, p.Trp5Ser (NM_001203263.2, NM_001203264.2, NM_001203265.2 and 6 more transcripts); short protein forms W5S.
Identifiers: ClinVar variation 1720526 (VCV001720526.5), dbSNP rs2470067254, ClinGen allele CA351752709.
Genomic context (GRCh38, chr3:9,917,329, plus strand): 5'-GGGGCAGCACAGGGCCTCAGGCCTGGGTGCCACCTGGCACCTAGAAGATGCCTGTGCCCT[G>C]GTTCTTGCTGTCCTTGGCACTGGGCCGAAGCCCAGTGGTCCTTTCTCTGGAGAGGCTTGT-3'
Protein context (NP_703190.2, residues 1-15): MPVP[Trp5Ser]FLLSLALGRS

ClinVar aggregate classification (germline): Uncertain significance (1 of 4 stars; one submission).

Conditions:
Candidiasis, familial, 9 (CANDF9). Identifiers: Orphanet 1334, MedGen C4225324, MONDO:0014642, OMIM 616445.

Submission:

Labcorp Genetics (formerly Invitae), Labcorp
Classification: Uncertain significance for Candidiasis, familial, 9. Last evaluated: 2022-09-27. Review status: criteria provided, single submitter. Criteria: Invitae Variant Classification Sherloc (09022015). Collection method: clinical testing. Allele origin: germline.
Comment: In summary, the available evidence is currently insufficient to determine the role of this variant in disease. Therefore, it has been classified as a Variant of Uncertain Significance. Algorithms developed to predict the effect of missense changes on protein structure and function are either unavailable or do not agree on the potential impact of this missense change (SIFT: "Deleterious"; PolyPhen-2: "Benign"; Align-GVGD: "Class C0"). This variant has not been reported in the literature in individuals affected with IL17RC-related conditions. This variant is not present in population databases (gnomAD no frequency). This sequence change replaces tryptophan, which is neutral and slightly polar, with serine, which is neutral and polar, at codon 5 of the IL17RC protein (p.Trp5Ser).